The following is an entry in ClinVar:

ClinVar aggregate classification (germline): Pathogenic (1 of 4 stars; one submission).

Conditions:
Chuvash polycythemia. Also called: POLYCYTHEMIA, VHL-DEPENDENT. Identifiers: Orphanet 238557, MedGen C1837915, MONDO:0009892, OMIM 263400.
Von Hippel-Lindau syndrome (VHLS). Also called: VHL syndrome; Von Hippel-Lindau; von Hippel–Lindau syndrome. Identifiers: Orphanet 892, MedGen C0019562, MONDO:0008667, OMIM 193300. Disease mechanism: loss of function.

Submission:

Labcorp Genetics (formerly Invitae), Labcorp
Classification: Pathogenic for Von Hippel-Lindau syndrome; Erythrocytosis, familial, 2. Last evaluated: 2019-12-23. Review status: criteria provided, single submitter. Criteria: Invitae Variant Classification Sherloc (09022015). Collection method: clinical testing. Allele origin: germline.
Comment: This variant is a gross deletion of the genomic region encompassing exons 1 and 2 of the VHL gene, which includes the initiator codon. The 5' end of this event is unknown as it extends beyond the assayed region for this gene and therefore may encompass additional genes. The 3' boundary is likely confined to intron 2 of the VHL gene. This is expected to result in an absent or disrupted protein product. This variant has been observed in individual(s) with clinical features of von Hippel-Lindau syndrome (PMID: 10830910, 27527340). It has also been observed to segregate with disease in related individuals. Loss-of-function variants in VHL are known to be pathogenic (PMID: 8956040, 12202531). For these reasons, this variant has been classified as Pathogenic.

Literature cited by the submitters: PubMed 27527340; PubMed 10830910.

NC_000003.12:g.(?_10141828)_(10146656_?)del

Gene: VHL (von Hippel-Lindau tumor suppressor; plus strand). Cytogenetic location: 3p25.3.
Variant type: Deletion.
Identifiers: ClinVar variation 830508 (VCV000830508.1).